The following is an entry in ClinVar:

ClinVar aggregate classification (germline): Uncertain significance (1 of 4 stars; one submission).

Conditions:
Congenital anomaly of kidney and urinary tract. Also called: Congenital anomalies of the kidney and urinary tract; Congenital anomalies of kidney and urinary tract. Identifiers: Orphanet 93545, MedGen C1968949, MeSH C566906, MONDO:0019719.

Allele frequency attached by ClinVar (database versions not stated): gnomAD exomes below 0.00001.
gnomAD v4.1: 1 of 1,613,266 alleles (0.000062%); highest among the groups gnomAD compares: Non-Finnish European, 0.000085%; no homozygotes.

Submission:

Institute of Human Genetics, University of Leipzig Medical Center
Classification: Uncertain significance for Congenital anomaly of kidney and urinary tract. Last evaluated: 2021-01-09. Review status: criteria provided, single submitter. Criteria: ACMG Guidelines, 2015. Collection method: curation. Allele origin: germline. Inheritance: Autosomal dominant inheritance. Affected: yes.
Comment: This ROBO2 variant was reported as Likely pathogenicâ€‹ in PMID: 18235093 with original nomenclature reported as 982G->A, Gly328Ser. Variant was re-classified as Uncertain Significance based on the criteria PM2_Supporting, PP3_Supporting.

Literature cited by the submitters: PubMed 18235093.

NM_001395656.1(ROBO2):c.994G>A (p.Gly332Ser)

Gene: ROBO2 (roundabout guidance receptor 2; plus strand). Cytogenetic location: 3p12.3.
Variant type: single nucleotide variant.
Coding change: c.994G>A on transcript NM_001395656.1 (MANE Select); coding-DNA position 994, G replaced by A.
Protein change: p.Gly332Ser; replaces glycine 332 with serine.
Molecular consequence: missense variant. On other transcripts: 5 prime UTR variant (1).
Genome position (GRCh38, 1-based): chr3:77,546,385, G>A. VCF-style: chr3-77546385-G-A. GRCh37 (hg19) VCF-style: chr3-77595536-G-A.
Other names: 982G->A; c.1030G>A, p.Gly344Ser (NM_001128929.3); c.994G>A, p.Gly332Ser (NM_001290039.2, NM_001290040.2, NM_001378202.1); c.-937G>A (NM_001290065.2); c.1042G>A, p.Gly348Ser (NM_001378190.1, NM_001378191.1, NM_001378195.1 and 4 more transcripts); c.1063G>A, p.Gly355Ser (NM_001378192.1, NM_001378194.1, NM_001378198.1 and 2 more transcripts); c.982G>A, p.Gly328Ser (NM_001378193.1, NM_001378197.1, NM_002942.5); c.1051G>A, p.Gly351Ser (NM_001394212.1, NM_001394214.1, NM_001395657.1); short protein forms G328S, G332S, G344S, G348S, G355S, G351S.
Identifiers: ClinVar variation 995967 (VCV000995967.2), dbSNP rs986191822, ClinGen allele CA78071278.